The following is an entry in ClinVar:

ClinVar aggregate classification (germline): Uncertain significance (1 of 4 stars; one submission).

Submission:

GeneDx
Classification: Uncertain significance. Last evaluated: 2022-12-14. Review status: criteria provided, single submitter. Criteria: GeneDx Variant Classification Process June 2021. Collection method: clinical testing. Allele origin: germline. Affected: yes.
Comment: Not observed at significant frequency in large population cohorts (gnomAD); In silico analysis supports that this missense variant does not alter protein structure/function; Has not been previously published as pathogenic or benign to our knowledge

NM_138615.3(DHX30):c.647A>G (p.His216Arg)

Gene: DHX30 (DExH-box helicase 30; plus strand). Cytogenetic location: 3p21.31.
Variant type: single nucleotide variant.
Coding change: c.647A>G on transcript NM_138615.3 (MANE Select); coding-DNA position 647, A replaced by G.
Protein change: p.His216Arg; replaces histidine 216 with arginine.
Molecular consequence: missense variant.
Genome position (GRCh38, 1-based): chr3:47,841,157, A>G. VCF-style: chr3-47841157-A-G. GRCh37 (hg19) VCF-style: chr3-47882647-A-G.
Other names: c.563A>G, p.His188Arg (NM_001330990.2); c.530A>G, p.His177Arg (NM_014966.4); short protein forms H177R, H188R, H216R.
Identifiers: ClinVar variation 2505707 (VCV002505707.1), dbSNP rs2549283566, ClinGen allele CA352584365.
Genomic context (GRCh38, chr3:47,841,157, plus strand): 5'-AGCTAGAAGAAGGGACCATAGATGTTACCGACTTCTTGTCCATGACCCAGCAGGATTCCC[A>G]CGCTCCACTCAGGGACTCAAGGTACAGATGGAGGATGGGGATGCAGCAGAGGCTGGCTGT-3'
Protein context (NP_619520.1, residues 206-226): DFLSMTQQDS[His216Arg]APLRDSRGSS